The following is an entry in ClinVar:

ClinVar aggregate classification (germline): Uncertain significance. Review status: criteria provided, multiple submitters, no conflicts (2 of 4 stars). 3 submissions from 3 submitters: Uncertain significance (3). Last evaluated 2022-01-12.

Conditions:
Inborn genetic diseases. Identifiers: MedGen C0950123, MeSH D030342.
Congenital adrenal insufficiency with 46, XY sex reversal OR 46,XY disorder of sex development-adrenal insufficiency due to CYP11A1 deficiency. Also called: Congenital adrenal insuffiency with 46, XY sex reversal OR 46,XY disorder of sex development-adrenal insufficiency due to CYP11A1 deficiency; P450scc DEFICIENCY. Identifiers: Orphanet 168558, MedGen C3151055, MONDO:0013400, OMIM 613743.

Allele frequency attached by ClinVar (database versions not stated): gnomAD exomes below 0.00001 and 0.00001; ExAC 0.00002.
gnomAD v4.1: 4 of 1,613,994 alleles (0.00025%); highest among the groups gnomAD compares: Admixed American, 0.005%; no homozygotes.

Submissions (3):

Fulgent Genetics
Classification: Uncertain significance for Congenital adrenal insufficiency with 46, XY sex reversal OR 46,XY disorder of sex development-adrenal insufficiency due to CYP11A1 deficiency. Last evaluated: 2022-01-12. Review status: criteria provided, single submitter. Criteria: ACMG Guidelines, 2015. Collection method: clinical testing. Allele origin: unknown.

Labcorp Genetics (formerly Invitae), Labcorp
Classification: Uncertain significance. Last evaluated: 2021-12-03. Review status: criteria provided, single submitter. Criteria: Invitae Variant Classification Sherloc (09022015). Collection method: clinical testing. Allele origin: germline.
Comment: This sequence change replaces proline, which is neutral and non-polar, with arginine, which is basic and polar, at codon 228 of the CYP11A1 protein (p.Pro228Arg). This variant is present in population databases (rs772561154, gnomAD 0.006%). This variant has not been reported in the literature in individuals affected with CYP11A1-related conditions. Algorithms developed to predict the effect of missense changes on protein structure and function are either unavailable or do not agree on the potential impact of this missense change (SIFT: "Deleterious"; PolyPhen-2: "Possibly Damaging"; Align-GVGD: "Class C0"). In summary, the available evidence is currently insufficient to determine the role of this variant in disease. Therefore, it has been classified as a Variant of Uncertain Significance.

Ambry Genetics
Classification: Uncertain significance for Inborn genetic diseases. Last evaluated: 2021-09-17. Review status: criteria provided, single submitter. Criteria: Ambry Variant Classification Scheme 2023. Collection method: clinical testing. Allele origin: germline.

NM_000781.3(CYP11A1):c.683C>G (p.Pro228Arg)

Gene: CYP11A1 (cytochrome P450 family 11 subfamily A member 1; minus strand). Cytogenetic location: 15q24.1.
Variant type: single nucleotide variant.
Coding change: c.683C>G on transcript NM_000781.3 (MANE Select); coding-DNA position 683, C replaced by G.
Protein change: p.Pro228Arg; replaces proline 228 with arginine.
Molecular consequence: missense variant.
Genome position (GRCh38, 1-based): chr15:74,343,935, G>C on the plus strand (C>G on the coding strand, the complement: CYP11A1 is on the minus strand). VCF-style: chr15-74343935-G-C. GRCh37 (hg19) VCF-style: chr15-74636276-G-C.
Other names: c.209C>G, p.Pro70Arg (NM_001099773.2); c.683C>G (NM_000781.2); short protein forms P70R, P228R.
Identifiers: ClinVar variation 1435911 (VCV001435911.5), dbSNP rs772561154, ClinGen allele CA7656491.